The following is an entry in ClinVar:

ClinVar aggregate classification (germline): Uncertain significance (1 of 4 stars; one submission).

Submission:

Women's Health and Genetics/Laboratory Corporation of America, LabCorp
Classification: Uncertain significance. Last evaluated: 2018-08-15. Review status: criteria provided, single submitter. Criteria: LabCorp Variant Classification Summary - May 2015. Collection method: clinical testing. Allele origin: germline.
Comment: Variant summary: CFTR c.4137-9C>T alters a non-conserved nucleotide located close to a canonical splice site and therefore could affect mRNA splicing, leading to a significantly altered protein sequence. 5/5 computational tools predict no significant impact on normal splicing. However, these predictions have yet to be confirmed by functional studies. The variant was absent in 116502 control chromosomes (ExAC). The available data on variant occurrences in the general population are insufficient to allow any conclusion about variant significance. To our knowledge, no occurrence of c.4137-9C>T in individuals affected with Chronic Pancreatitis Risk and no experimental evidence demonstrating its impact on protein function have been reported. No clinical diagnostic laboratories have submitted clinical-significance assessments for this variant to ClinVar after 2014. Based on the evidence outlined above, the variant was classified as uncertain significance.

NM_000492.4(CFTR):c.4137-9C>T

Gene: CFTR (CF transmembrane conductance regulator; plus strand). Cytogenetic location: 7q31.2.
Variant type: single nucleotide variant.
Coding change: c.4137-9C>T on transcript NM_000492.4 (MANE Select); 9 bases into the intron before coding-DNA position 4137, C replaced by T.
Molecular consequence: intron variant.
Genome position (GRCh38, 1-based): chr7:117,665,450, C>T. VCF-style: chr7-117665450-C-T. GRCh37 (hg19) VCF-style: chr7-117305504-C-T.
Identifiers: ClinVar variation 632748 (VCV000632748.1), dbSNP rs1562929122, ClinGen allele CA913189948.